The following is an entry in ClinVar:

NM_018139.3(DNAAF2):c.589G>A (p.Glu197Lys)

Gene: DNAAF2 (dynein axonemal assembly factor 2; minus strand). Cytogenetic location: 14q21.3.
Variant type: single nucleotide variant.
Coding change: c.589G>A on transcript NM_018139.3 (MANE Select); coding-DNA position 589, G replaced by A.
Protein change: p.Glu197Lys; replaces glutamic acid 197 with lysine.
Molecular consequence: missense variant.
Genome position (GRCh38, 1-based): chr14:49,634,561, C>T on the plus strand (G>A on the coding strand, the complement: DNAAF2 is on the minus strand). VCF-style: chr14-49634561-C-T. GRCh37 (hg19) VCF-style: chr14-50101279-C-T.
Other names: c.589G>A, p.Glu197Lys (NM_001083908.2); short protein forms E197K.
Identifiers: ClinVar variation 1020718 (VCV001020718.8), dbSNP rs1883282453, ClinGen allele CA389631510.
Genomic context (GRCh38, chr14:49,634,561, plus strand): 5'-GCTCCCCGTCAGGCCTTGCGGGGATGACCCCGGGCAGGGGCGTGCGCAGCACCGCAGCCT[C>T]TGGGGTCCCCTTATACTTGGCCTTCAGGGTCTTGGCATTCCTGCGGTCCAGCTTCACGCC-3'
Protein context (NP_060609.2, residues 187-207): TLKAKYKGTP[Glu197Lys]AAVLRTPLPG

ClinVar aggregate classification (germline): Uncertain significance (1 of 4 stars; one submission).

Conditions:
Primary ciliary dyskinesia. Also called: Ciliary dyskinesia. Identifiers: Orphanet 244, MedGen C0008780, MONDO:0016575, HP:0012265.

Allele frequency attached by ClinVar (database versions not stated): gnomAD exomes 0.00001.

Submission:

Labcorp Genetics (formerly Invitae), Labcorp
Classification: Uncertain significance for Primary ciliary dyskinesia. Last evaluated: 2020-02-17. Review status: criteria provided, single submitter. Criteria: Invitae Variant Classification Sherloc (09022015). Collection method: clinical testing. Allele origin: germline.
Comment: This variant is not present in population databases (ExAC no frequency). This sequence change replaces glutamic acid with lysine at codon 197 of the DNAAF2 protein (p.Glu197Lys). The glutamic acid residue is moderately conserved and there is a small physicochemical difference between glutamic acid and lysine. This variant has not been reported in the literature in individuals with DNAAF2-related conditions. Algorithms developed to predict the effect of missense changes on protein structure and function are either unavailable or do not agree on the potential impact of this missense change (SIFT: "Tolerated"; PolyPhen-2: "Possibly Damaging"; Align-GVGD: "Class C0"). In summary, the available evidence is currently insufficient to determine the role of this variant in disease. Therefore, it has been classified as a Variant of Uncertain Significance.